The following is an entry in ClinVar:

NM_006892.4(DNMT3B):c.1058C>T (p.Thr353Met)

Gene: DNMT3B (DNA methyltransferase 3 beta; plus strand). Cytogenetic location: 20q11.21.
Variant type: single nucleotide variant.
Coding change: c.1058C>T on transcript NM_006892.4 (MANE Select); coding-DNA position 1058, C replaced by T.
Protein change: p.Thr353Met; replaces threonine 353 with methionine.
Molecular consequence: missense variant.
Genome position (GRCh38, 1-based): chr20:32,792,762, C>T. VCF-style: chr20-32792762-C-T. GRCh37 (hg19) VCF-style: chr20-31380568-C-T.
Other names: c.932C>T, p.Thr311Met (NM_001207055.2); c.830C>T, p.Thr277Met (NM_001207056.2); c.1058C>T, p.Thr353Met (NM_175848.2, NM_175849.2); c.1094C>T, p.Thr365Met (NM_175850.3); short protein forms T277M, T353M, T365M, T311M.
Identifiers: ClinVar variation 848390 (VCV000848390.9), dbSNP rs763492333, ClinGen allele CA9810379.

ClinVar aggregate classification (germline): Uncertain significance (1 of 4 stars; one submission).

Conditions:
Centromeric instability of chromosomes 1,9 and 16 and immunodeficiency (ICF1). Also called: CENTROMERIC INSTABILITY, IMMUNODEFICIENCY SYNDROME; Immunodeficiency-centromeric instability-facial anomalies; IMMUNE DEFICIENCY, VARIABLE, WITH CENTROMERIC INSTABILITY OF CHROMOSOMES 1, 9, AND 16; IMMUNODEFICIENCY SYNDROME, VARIABLE. Identifiers: Orphanet 2268, MedGen C0398788, MONDO:0000133.

Allele frequency attached by ClinVar (database versions not stated): TOPMed 0.00003; gnomAD 0.00004.

Submission:

Labcorp Genetics (formerly Invitae), Labcorp
Classification: Uncertain significance for Centromeric instability of chromosomes 1,9 and 16 and immunodeficiency. Last evaluated: 2024-12-16. Review status: criteria provided, single submitter. Criteria: Invitae Variant Classification Sherloc (09022015). Collection method: clinical testing. Allele origin: germline.
Comment: This sequence change replaces threonine, which is neutral and polar, with methionine, which is neutral and non-polar, at codon 353 of the DNMT3B protein (p.Thr353Met). This variant is present in population databases (rs763492333, gnomAD 0.01%). This variant has not been reported in the literature in individuals affected with DNMT3B-related conditions. ClinVar contains an entry for this variant (Variation ID: 848390). Invitae Evidence Modeling of protein sequence and biophysical properties (such as structural, functional, and spatial information, amino acid conservation, physicochemical variation, residue mobility, and thermodynamic stability) has been performed for this missense variant. However, the output from this modeling did not meet the statistical confidence thresholds required to predict the impact of this variant on DNMT3B protein function. In summary, the available evidence is currently insufficient to determine the role of this variant in disease. Therefore, it has been classified as a Variant of Uncertain Significance.